The following is an entry in ClinVar:

NM_000179.3(MSH6):c.1815dup (p.Lys606Ter)

Gene: MSH6 (mutS homolog 6; plus strand). Cytogenetic location: 2p16.3.
Variant type: Duplication.
Coding change: c.1815dup on transcript NM_000179.3 (MANE Select); coding-DNA position 1815, one base duplicated (T; older notation c.1815dupT).
Protein change: p.Lys606Ter; replaces lysine 606 with a stop codon.
Molecular consequence: nonsense. On other transcripts: frameshift variant (35).
Genome position (GRCh38, 1-based): chr2:47,799,798, T duplicated. VCF-style (leftmost placement, unchanged base first): chr2-47799797-C-CT. GRCh37 (hg19) VCF-style: chr2-48026936-C-CT.
Other names: c.1425dup, p.Lys476Ter (NM_001281492.2); c.909dup, p.Lys304Ter (NM_001281493.2, NM_001281494.2); c.1911dup, p.Lys638Terfs (NM_001406795.1, NM_001406802.1); c.1815dup, p.Lys606Terfs (NM_001406796.1, NM_001406798.1, NM_001406800.1 and 3 more transcripts); c.1518dup, p.Lys507Terfs (NM_001406797.1, NM_001406801.1, NM_001406805.1 and 10 more transcripts); c.1290dup, p.Lys431Terfs (NM_001406799.1, NM_001406806.1, NM_001406807.1); c.1737dup, p.Lys580Terfs (NM_001406804.1); c.909dup, p.Lys304Terfs (NM_001406811.1, NM_001406812.1, NM_001406814.1 and 4 more transcripts); and 3 more; short protein forms K606*, K304*, K476*.
Identifiers: ClinVar variation 1780658 (VCV001780658.2), dbSNP rs2530631810, ClinGen allele CA2580067704.
Genomic context (GRCh38, chr2:47,799,797, plus strand): 5'-TAGTGGCACACTATCCCCCAGTACAAGTTTTATTTGAAAAAGGAAATCTCTCAAAGGAAA[C>CT]TAAAACAATTCTAAAGAGTTCATTGTCCTGTTCTCTTCAGGAAGGTCTGATACCCGGCTC-3'

ClinVar aggregate classification (germline): Pathogenic (1 of 4 stars; one submission).

Conditions:
Hereditary cancer-predisposing syndrome. Also called: Neoplastic Syndromes, Hereditary; Tumor predisposition; Hereditary Cancer Syndrome; Hereditary neoplastic syndrome. Identifiers: Orphanet 140162, MedGen C0027672, MeSH D009386, MONDO:0015356.

Submission:

Ambry Genetics
Classification: Pathogenic for Hereditary cancer-predisposing syndrome. Last evaluated: 2018-12-15. Review status: criteria provided, single submitter. Criteria: Ambry Variant Classification Scheme 2023. Collection method: clinical testing. Allele origin: germline.
Comment: The c.1815dupT pathogenic mutation (also known as p.K606*), located in coding exon 4 of the MSH6 gene, results from a duplication of T at nucleotide position 1815. This changes the amino acid from a lysine to a stop codon within coding exon 4. This alteration is expected to result in loss of function by premature protein truncation or nonsense-mediated mRNA decay. As such, this alteration is interpreted as a disease-causing mutation.